The following is an entry in ClinVar:

ClinVar aggregate classification (germline): Conflicting classifications of pathogenicity. Review status: criteria provided, conflicting classifications (1 of 4 stars). 3 submissions from 3 submitters: Uncertain significance (1); Likely benign (2). Last evaluated 2025-01-27.

Allele frequency attached by ClinVar (database versions not stated): gnomAD exomes 0.00003 and 0.00012; gnomAD 0.00004; TOPMed 0.00005; ExAC 0.00008.
gnomAD v4.1: 47 of 1,603,264 alleles (0.0029%); highest among the groups gnomAD compares: East Asian, 0.083%; no homozygotes.

Submissions (3):

Labcorp Genetics (formerly Invitae), Labcorp
Classification: Likely benign. Last evaluated: 2025-01-27. Review status: criteria provided, single submitter. Criteria: Invitae Variant Classification Sherloc (09022015). Collection method: clinical testing. Allele origin: germline.

Blueprint Genetics
Classification: Likely benign. Last evaluated: 2024-07-22. Review status: criteria provided, single submitter. Criteria: ACMG Guidelines, 2015. Collection method: clinical testing. Allele origin: germline.

GeneDx
Classification: Uncertain significance. Last evaluated: 2023-08-24. Review status: criteria provided, single submitter. Criteria: GeneDx Variant Classification Process June 2021. Collection method: clinical testing. Allele origin: germline. Affected: yes.
Comment: Has not been previously published as pathogenic or benign to our knowledge; Not located in the triple helical region, where the majority of pathogenic missense variants occur (HGMD; Acke et al., 2014); In silico analysis supports that this missense variant does not alter protein structure/function

NM_001854.4(COL11A1):c.784G>A (p.Ala262Thr)

Gene: COL11A1 (collagen type XI alpha 1 chain; minus strand). Cytogenetic location: 1p21.1.
Variant type: single nucleotide variant.
Coding change: c.784G>A on transcript NM_001854.4 (MANE Select); coding-DNA position 784, G replaced by A.
Protein change: p.Ala262Thr; replaces alanine 262 with threonine.
Molecular consequence: missense variant. On other transcripts: non-coding transcript variant (1), intron variant (2).
Genome position (GRCh38, 1-based): chr1:103,026,329, C>T on the plus strand (G>A on the coding strand, the complement: COL11A1 is on the minus strand). VCF-style: chr1-103026329-C-T. GRCh37 (hg19) VCF-style: chr1-103491885-C-T.
Other names: c.784G>A, p.Ala262Thr (NM_080630.4); c.781-716G>A (NM_001190709.2); c.781-377G>A (NM_080629.3); short protein forms A262T.
Identifiers: ClinVar variation 1300700 (VCV001300700.11), dbSNP rs777664906, ClinGen allele CA975308.